The following is an entry in ClinVar:

ClinVar aggregate classification (germline): Benign. Review status: criteria provided, multiple submitters, no conflicts (2 of 4 stars). 3 submissions from 3 submitters: Benign (2). 1 of the submissions does not count toward it. Last evaluated 2019-07-17.

Conditions:
BSN-related disorder. Also called: BSN-related condition.

Allele frequency attached by ClinVar (database versions not stated): 1000 Genomes Project 0.20747; 1000 Genomes Project 30x 0.21081; TOPMed 0.26044; ExAC 0.26513; gnomAD exomes 0.26588 and 0.28393; gnomAD 0.27956 and 0.28512; ESP Exome Variant Server 0.28718.
gnomAD v4.1: 457,534 of 1,613,330 alleles (28%); highest among the groups gnomAD compares: Middle Eastern, 30%; 68,907 homozygotes.

Submissions (3):

GeneDx
Classification: Benign. Last evaluated: 2019-07-17. Review status: criteria provided, single submitter. Criteria: GeneDx Variant Classification Process June 2021. Collection method: clinical testing. Allele origin: germline. Affected: yes.

Breakthrough Genomics
Classification: Benign. Review status: criteria provided, single submitter. Criteria: ACMG Guidelines, 2015. Collection method: not provided. Allele origin: germline. Inheritance: Unknown mechanism. Affected: yes.

PreventionGenetics, part of Exact Sciences
Classification: Benign for BSN-related condition. Last evaluated: 2019-10-18. Review status: no assertion criteria provided. Collection method: clinical testing. Allele origin: germline. Not counted in ClinVar's aggregate classification.
Comment: This variant is classified as benign based on ACMG/AMP sequence variant interpretation guidelines (Richards et al. 2015 PMID: 25741868, with internal and published modifications).

NM_003458.4(BSN):c.3507C>T (p.Ser1169=)

Gene: BSN (bassoon presynaptic cytomatrix protein; plus strand). Cytogenetic location: 3p21.31.
Variant type: single nucleotide variant.
Coding change: c.3507C>T on transcript NM_003458.4 (MANE Select); coding-DNA position 3507, C replaced by T.
Protein change: p.Ser1169=; no amino-acid change (serine 1169 retained).
Molecular consequence: synonymous variant.
Genome position (GRCh38, 1-based): chr3:49,653,063, C>T. VCF-style: chr3-49653063-C-T. GRCh37 (hg19) VCF-style: chr3-49690496-C-T.
Identifiers: ClinVar variation 1279183 (VCV001279183.4), dbSNP rs11709525, ClinGen allele CA2399967.